The following is an entry in ClinVar:

ClinVar aggregate classification (germline): Uncertain significance. Review status: criteria provided, multiple submitters, no conflicts (2 of 4 stars). 3 submissions from 3 submitters: Uncertain significance (3). Last evaluated 2025-10-15.

Conditions:
Inborn genetic diseases. Identifiers: MedGen C0950123, MeSH D030342.

Allele frequency attached by ClinVar (database versions not stated): gnomAD 0.00001; gnomAD exomes 0.00001; TOPMed 0.00001; ExAC 0.00002.
gnomAD v4.1: 12 of 1,610,162 alleles (0.00075%); highest among the groups gnomAD compares: Non-Finnish European, 0.001%; no homozygotes.

Submissions (3):

Ambry Genetics
Classification: Uncertain significance for Inborn genetic diseases. Last evaluated: 2025-10-15. Review status: criteria provided, single submitter. Criteria: Ambry Variant Classification Scheme 2023. Collection method: clinical testing. Allele origin: germline.

CeGaT Center for Human Genetics Tuebingen
Classification: Uncertain significance. Last evaluated: 2023-08-01. Review status: criteria provided, single submitter. Criteria: CeGaT Center For Human Genetics Tuebingen Variant Classification Criteria Version 2. Collection method: clinical testing. Allele origin: germline. Affected: yes. Observed: 1 variant allele.

Labcorp Genetics (formerly Invitae), Labcorp
Classification: Uncertain significance. Last evaluated: 2022-08-18. Review status: criteria provided, single submitter. Criteria: Invitae Variant Classification Sherloc (09022015). Collection method: clinical testing. Allele origin: germline.
Comment: This sequence change replaces histidine, which is basic and polar, with tyrosine, which is neutral and polar, at codon 486 of the CLCN2 protein (p.His486Tyr). This variant is present in population databases (rs768757422, gnomAD 0.002%). This variant has not been reported in the literature in individuals affected with CLCN2-related conditions. Advanced modeling of protein sequence and biophysical properties (such as structural, functional, and spatial information, amino acid conservation, physicochemical variation, residue mobility, and thermodynamic stability) performed at Invitae indicates that this missense variant is not expected to disrupt CLCN2 protein function. In summary, the available evidence is currently insufficient to determine the role of this variant in disease. Therefore, it has been classified as a Variant of Uncertain Significance.

NM_004366.6(CLCN2):c.1456C>T (p.His486Tyr)

Gene: CLCN2 (chloride voltage-gated channel 2; minus strand). Cytogenetic location: 3q27.1.
Variant type: single nucleotide variant.
Coding change: c.1456C>T on transcript NM_004366.6 (MANE Select); coding-DNA position 1456, C replaced by T.
Protein change: p.His486Tyr; replaces histidine 486 with tyrosine.
Molecular consequence: missense variant.
Genome position (GRCh38, 1-based): chr3:184,354,599, G>A on the plus strand (C>T on the coding strand, the complement: CLCN2 is on the minus strand). VCF-style: chr3-184354599-G-A. GRCh37 (hg19) VCF-style: chr3-184072387-G-A.
Other names: c.1405C>T, p.His469Tyr (NM_001171087.3); c.1324C>T, p.His442Tyr (NM_001171088.3); c.1456C>T, p.His486Tyr (NM_001171089.3); c.1456C>T (NM_004366.4); short protein forms H469Y, H486Y, H442Y.
Identifiers: ClinVar variation 2165812 (VCV002165812.29), dbSNP rs768757422, ClinGen allele CA2734097.
Genomic context (GRCh38, chr3:184,354,599, plus strand): 5'-GGCACTCACCGACCACAGCGTAGCCCCCAGGCACAATCCGGTAGGTGCTGCTGTCCGTAT[G>A]AATTCCATCTGGGAACCAGGCAGCCATGCTTTCACCCACCAGACGCCCAAATGCTGCTCC-3'
Protein context (NP_004357.3, residues 476-496): SMAAWFPDGI[His486Tyr]TDSSTYRIVP